The following is an entry in ClinVar:

ClinVar aggregate classification (germline): Uncertain significance. Review status: criteria provided, multiple submitters, no conflicts (2 of 4 stars). 2 submissions from 2 submitters: Uncertain significance (2). Last evaluated 2023-09-10.

Allele frequency attached by ClinVar (database versions not stated): gnomAD exomes below 0.00001; TOPMed below 0.00001; gnomAD 0.00001.
gnomAD v4.1: 4 of 1,612,414 alleles (0.00025%); highest among the groups gnomAD compares: Non-Finnish European, 0.00034%; no homozygotes.

Submissions (2):

Labcorp Genetics (formerly Invitae), Labcorp
Classification: Uncertain significance. Last evaluated: 2023-09-10. Review status: criteria provided, single submitter. Criteria: Invitae Variant Classification Sherloc (09022015). Collection method: clinical testing. Allele origin: germline.
Comment: This sequence change replaces proline, which is neutral and non-polar, with leucine, which is neutral and non-polar, at codon 809 of the COL2A1 protein (p.Pro809Leu). The frequency data for this variant in the population databases is considered unreliable, as metrics indicate poor data quality at this position in the gnomAD database. In summary, the available evidence is currently insufficient to determine the role of this variant in disease. Therefore, it has been classified as a Variant of Uncertain Significance. Advanced modeling of protein sequence and biophysical properties (such as structural, functional, and spatial information, amino acid conservation, physicochemical variation, residue mobility, and thermodynamic stability) performed at Invitae indicates that this missense variant is not expected to disrupt COL2A1 protein function. This variant has not been reported in the literature in individuals affected with COL2A1-related conditions.

Blueprint Genetics
Classification: Uncertain significance. Last evaluated: 2018-08-02. Review status: criteria provided, single submitter. Criteria: ACMG Guidelines, 2015. Collection method: clinical testing. Allele origin: germline.

NM_001844.5(COL2A1):c.2426C>T (p.Pro809Leu)

Gene: COL2A1 (collagen type II alpha 1 chain; minus strand). Cytogenetic location: 12q13.11.
Variant type: single nucleotide variant.
Coding change: c.2426C>T on transcript NM_001844.5 (MANE Select); coding-DNA position 2426, C replaced by T.
Protein change: p.Pro809Leu; replaces proline 809 with leucine.
Molecular consequence: missense variant.
Genome position (GRCh38, 1-based): chr12:47,981,380, G>A on the plus strand (C>T on the coding strand, the complement: COL2A1 is on the minus strand). VCF-style: chr12-47981380-G-A. GRCh37 (hg19) VCF-style: chr12-48375163-G-A.
Other names: c.2219C>T, p.Pro740Leu (NM_033150.3); short protein forms P809L, P740L.
Identifiers: ClinVar variation 2759949 (VCV002759949.4), dbSNP rs1443730468, ClinGen allele CA384545262.